The following is an entry in ClinVar:

NM_021034.3(IFITM3):c.309del (p.Lys104fs)

Gene: IFITM3 (interferon induced transmembrane protein 3; minus strand). Cytogenetic location: 11p15.5.
Variant type: Deletion.
Coding change: c.309del on transcript NM_021034.3 (MANE Select); coding-DNA position 309, one base deleted (C; older notation c.309delC).
Protein change: p.Lys104fs; shifts the reading frame from lysine 104.
Molecular consequence: frameshift variant. On other transcripts: non-coding transcript variant (1).
Genome position (GRCh38, 1-based): chr11:319,931, G deleted on the plus strand (C on the coding strand, the reverse complement: IFITM3 is on the minus strand); the first of 2 consecutive G bases (chr11:319,931-319,932); deleting either gives the same sequence. VCF-style (leftmost placement, unchanged base first): chr11-319930-TG-T. GRCh37 (hg19) VCF-style: chr11-319930-TG-T.
Other names: short protein forms K104fs.
Identifiers: ClinVar variation 4279737 (VCV004279737.1).
Genomic context (GRCh38, chr11:319,930, plus strand): 5'-TGACGATGAGCAGAATGGTCATGAGGATGCCCAGAATCAGGGCCCAGATGTTCAGGCACT[TG>T]GCGGTGGAGGCATAGGCCTGGGCCCCGGTCACGTCGCCAACCATCTTCCTGTCCCTAGAC-3'

ClinVar aggregate classification (germline): Uncertain significance (1 of 4 stars; one submission).

Conditions:
Influenza, severe, susceptibility to. Identifiers: MedGen C3553462, MONDO:0013855, OMIM 614680.

Submission:

Clinical Genomics Laboratory, Washington University in St. Louis
Classification: Uncertain significance for Influenza, severe, susceptibility to. Last evaluated: 2025-03-28. Review status: criteria provided, single submitter. Criteria: ACMG Guidelines, 2015. Collection method: clinical testing. Allele origin: germline.
Comment: The IFITM3 c.309del (p.Lys104Serfs*3) variant, to our knowledge, has not been reported in the medical literature. This variant is absent from the general population (gnomAD v.2.1.1), indicating it is not a common variant. This variant causes a frameshift by deleting one nucleotide, leading to a premature termination codon, which is predicted to lead to nonsense-mediated decay. However, loss of function is not a known disease mechanism. Due to limited information, the clinical significance of this variant is uncertain.